The following is an entry in ClinVar:

NM_058216.3(RAD51C):c.905-7C>T

Gene: RAD51C (RAD51 paralog C; plus strand). Cytogenetic location: 17q22.
Variant type: single nucleotide variant.
Coding change: c.905-7C>T on transcript NM_058216.3 (MANE Select); 7 bases into the intron before coding-DNA position 905, C replaced by T.
Molecular consequence: intron variant.
Genome position (GRCh38, 1-based): chr17:58,724,033, C>T. VCF-style: chr17-58724033-C-T. GRCh37 (hg19) VCF-style: chr17-56801394-C-T.
Other names: c.905-7C>T (LRG_314t1).
Identifiers: ClinVar variation 392195 (VCV000392195.17), dbSNP rs757624360, ClinGen allele CA16607725.

ClinVar aggregate classification (germline): Likely benign. Review status: criteria provided, multiple submitters, no conflicts (2 of 4 stars). 5 submissions from 5 submitters: Likely benign (4). 1 of the submissions does not count toward it. Last evaluated 2025-09-10.

Conditions:
Breast-ovarian cancer, familial, susceptibility to, 3. Also called: RAD51C-Related Breast/Ovarian Cancer. Identifiers: Orphanet 145, MedGen C3150659, MONDO:0013253, OMIM 613399.
Fanconi anemia complementation group O. Also called: RAD51C-Related Fanconi Anemia. Identifiers: Orphanet 84, MedGen C3150653, MONDO:0013248, OMIM 613390.
Hereditary cancer-predisposing syndrome. Also called: Neoplastic Syndromes, Hereditary; Hereditary neoplastic syndrome; Tumor predisposition; Hereditary Cancer Syndrome. Identifiers: Orphanet 140162, MedGen C0027672, MeSH D009386, MONDO:0015356.

Allele frequency attached by ClinVar (database versions not stated): TOPMed below 0.00001; gnomAD 0.00001.
gnomAD v4.1: 5 of 1,609,790 alleles (0.00031%); highest among the groups gnomAD compares: East Asian, 0.0022%; no homozygotes.

Submissions (5):

Labcorp Genetics (formerly Invitae), Labcorp
Classification: Likely benign for Fanconi anemia complementation group O. Last evaluated: 2025-09-10. Review status: criteria provided, single submitter. Criteria: Invitae Variant Classification Sherloc (09022015). Collection method: clinical testing. Allele origin: germline.

Myriad Genetics, Inc.
Classification: Likely benign for Breast-ovarian cancer, familial, susceptibility to, 3. Last evaluated: 2023-04-05. Review status: criteria provided, single submitter. Criteria: Myriad Autosomal Dominant, Autosomal Recessive and X-Linked Classification Criteria (2023). Collection method: clinical testing. Allele origin: unknown.
Comment: This variant is considered likely benign. This variant is intronic and is not expected to impact mRNA splicing.

Color Diagnostics, LLC DBA Color Health
Classification: Likely benign for Hereditary cancer-predisposing syndrome. Last evaluated: 2018-09-05. Review status: criteria provided, single submitter. Criteria: ACMG Guidelines, 2015. Collection method: clinical testing. Allele origin: germline.

GeneDx
Classification: Likely benign. Last evaluated: 2018-05-23. Review status: criteria provided, single submitter. Criteria: GeneDx Variant Classification Process June 2021. Collection method: clinical testing. Allele origin: germline. Affected: yes.

Counsyl
Classification: Likely benign for Fanconi anemia complementation group O; Breast-ovarian cancer, familial, susceptibility to, 3. Last evaluated: 2018-03-22. Review status: no assertion criteria provided. Collection method: clinical testing. Allele origin: unknown. Not counted in ClinVar's aggregate classification.